The following is an entry in ClinVar:

ClinVar aggregate classification (germline): Uncertain significance (1 of 4 stars; one submission).

Allele frequency attached by ClinVar (database versions not stated): TOPMed 0.00001.
gnomAD v4.1: 1 of 1,611,690 alleles (0.000062%); highest among the groups gnomAD compares: African/African-American, 0.0013%; no homozygotes.

Submission:

Labcorp Genetics (formerly Invitae), Labcorp
Classification: Uncertain significance. Last evaluated: 2023-07-10. Review status: criteria provided, single submitter. Criteria: Invitae Variant Classification Sherloc (09022015). Collection method: clinical testing. Allele origin: germline.
Comment: In summary, the available evidence is currently insufficient to determine the role of this variant in disease. Therefore, it has been classified as a Variant of Uncertain Significance. An algorithm developed to predict the effect of missense changes on protein structure and function (PolyPhen-2) suggests that this variant is likely to be disruptive. ClinVar contains an entry for this variant (Variation ID: 941103). This variant has not been reported in the literature in individuals affected with SAMD11-related conditions. This variant is not present in population databases (gnomAD no frequency). This sequence change replaces lysine, which is basic and polar, with threonine, which is neutral and polar, at codon 542 of the SAMD11 protein (p.Lys542Thr).

NM_001385641.1(SAMD11):c.2114A>C (p.Lys705Thr)

Genes: SAMD11 (sterile alpha motif domain containing 11; plus strand), LOC129929063 (ATAC-STARR-seq lymphoblastoid active region 4; plus strand). Cytogenetic location: 1p36.33.
Variant type: single nucleotide variant.
Coding change: c.2114A>C on transcript NM_001385641.1 (MANE Select); coding-DNA position 2114, A replaced by C.
Protein change: p.Lys705Thr; replaces lysine 705 with threonine.
Molecular consequence: missense variant.
Genome position (GRCh38, 1-based): chr1:943,313, A>C. VCF-style: chr1-943313-A-C. GRCh37 (hg19) VCF-style: chr1-878693-A-C.
Other names: c.2117A>C, p.Lys706Thr (NM_001385640.1); c.1625A>C, p.Lys542Thr (NM_152486.4); short protein forms K542T, K705T, K706T.
Identifiers: ClinVar variation 941103 (VCV000941103.10), dbSNP rs1020750944, ClinGen allele CA16726331.
Genomic context (GRCh38, chr1:943,313, plus strand): 5'-GCGCGGTAGGGGGACTCTCCATGGATGGGGAGGAGGCCCCAGCCCCTGAGGACGTCACCA[A>C]GTGGACCGTGGATGACGTCTGCAGCTTCGTGGGGGGCCTGTCTGGCTGTGGAGAGTACAC-3'
Protein context (NP_001372570.1, residues 695-715): EEAPAPEDVT[Lys705Thr]WTVDDVCSFV